The following is an entry in ClinVar:

ClinVar aggregate classification (germline): Benign/Likely benign. Review status: criteria provided, multiple submitters, no conflicts (2 of 4 stars). 3 submissions from 3 submitters: Benign (1); Likely benign (2). Last evaluated 2026-07-20.

Conditions:
VCAN-related disorder. Also called: VCAN-related condition.

Allele frequency attached by ClinVar (database versions not stated): gnomAD exomes 0.00003 and 0.00013; gnomAD 0.00004 and 0.00006; TOPMed 0.00013; ExAC 0.00015; ESP Exome Variant Server 0.00015.
gnomAD v4.1: 47 of 1,614,024 alleles (0.0029%); highest among the groups gnomAD compares: Admixed American, 0.06%; no homozygotes.

Submissions (3):

PreventionGenetics, part of Exact Sciences
Classification: Likely benign for VCAN-related condition. Last evaluated: 2026-07-20. Review status: criteria provided, single submitter. Criteria: ACMG Guidelines, 2015. Collection method: clinical testing. Allele origin: germline.
Comment: This variant is classified as likely benign based on ACMG/AMP sequence variant interpretation guidelines (Richards et al. 2015 PMID: 25741868, with internal and published modifications).

Labcorp Genetics (formerly Invitae), Labcorp
Classification: Benign. Last evaluated: 2025-05-05. Review status: criteria provided, single submitter. Criteria: Invitae Variant Classification Sherloc (09022015). Collection method: clinical testing. Allele origin: germline.

Blueprint Genetics
Classification: Likely benign. Last evaluated: 2023-10-27. Review status: criteria provided, single submitter. Criteria: ACMG Guidelines, 2015. Collection method: clinical testing. Allele origin: germline.

NM_004385.5(VCAN):c.9954C>T (p.Asn3318=)

Gene: VCAN (versican; plus strand). Cytogenetic location: 5q14.3.
Variant type: single nucleotide variant.
Coding change: c.9954C>T on transcript NM_004385.5 (MANE Select); coding-DNA position 9954, C replaced by T.
Protein change: p.Asn3318=; no amino-acid change (asparagine 3318 retained).
Molecular consequence: synonymous variant.
Genome position (GRCh38, 1-based): chr5:83,580,053, C>T. VCF-style: chr5-83580053-C-T. GRCh37 (hg19) VCF-style: chr5-82875872-C-T.
Other names: c.1731C>T, p.Asn577= (NM_001126336.3); c.6993C>T, p.Asn2331= (NM_001164097.2); c.4692C>T, p.Asn1564= (NM_001164098.2); c.9954C>T (NM_004385.4).
Identifiers: ClinVar variation 1165068 (VCV001165068.11), dbSNP rs368432759, ClinGen allele CA3334134.